The following is an entry in ClinVar:

GRCh38/hg38 16q13-22.2(chr16:56883592-71279975)x3

Genes: LRRC29 (leucine rich repeat containing 29; minus strand), LRRC36 (leucine rich repeat containing 36; plus strand), MATCAP1 (microtubule associated tyrosine carboxypeptidase 1; minus strand), MIR140 (microRNA 140; plus strand), MIR1538 (microRNA 1538; minus strand) and 598 more. Cytogenetic location: 16q13-22.2.
Variant type: copy number gain.
Change: copy number 3 (three copies instead of two) of chr16:56,883,592-71,279,975 (14.40 Mb, GRCh38 coordinates, 1-based), cytogenetic band 16q13-22.2.
Identifiers: ClinVar variation 58630 (VCV000058630.1).

ClinVar aggregate classification (germline): Pathogenic (1 of 4 stars; one submission).

Submission:

ISCA site 17
Classification: Pathogenic. Last evaluated: 2011-08-12. Review status: criteria provided, single submitter. Criteria: Kaminsky et al. (Genet Med. 2011). Collection method: clinical testing. Allele origin: unknown. Affected: yes. Observed: 1 variant allele.
Comment: Copy number variation identified through the course of routine clinical cytogenomic testing in postnatal populations. Clinical assertions have been curated as described in Kaminsky et al. 2011.